The following is an entry in ClinVar:

NM_001289808.2(CRYAB):c.191G>A (p.Gly64Glu)

Gene: CRYAB (crystallin alpha B; minus strand). Cytogenetic location: 11q23.1.
Variant type: single nucleotide variant.
Coding change: c.191G>A on transcript NM_001289808.2 (MANE Select); coding-DNA position 191, G replaced by A.
Protein change: p.Gly64Glu; replaces glycine 64 with glutamic acid.
Molecular consequence: missense variant.
Genome position (GRCh38, 1-based): chr11:111,911,534, C>T on the plus strand (G>A on the coding strand, the complement: CRYAB is on the minus strand). VCF-style: chr11-111911534-C-T. GRCh37 (hg19) VCF-style: chr11-111782258-C-T.
Other names: c.191G>A, p.Gly64Glu (NM_001289807.1, NM_001368245.1, NM_001885.3); short protein forms G64E.
Identifiers: ClinVar variation 2428125 (VCV002428125.6), dbSNP rs2497884350, ClinGen allele CA382600052.
Genomic context (GRCh38, chr11:111,911,534, plus strand): 5'-CCAGGAGGTTCCAGTAAGGACTCTCCCGTCCTAGCTGTGGGGAGACTCACCTCTGAGAGT[C>T]CAGTGTCAAACCAGCTGGGTGCCCGCAGGAAGGAGGGTGGCCGAAGGTAGAAGGGACTCA-3'
Protein context (NP_001276737.1, residues 54-74): FLRAPSWFDT[Gly64Glu]LSEMRLEKDR

ClinVar aggregate classification (germline): Uncertain significance (1 of 4 stars; one submission).

Conditions:
Dilated cardiomyopathy 1II (CMD1II). Identifiers: Orphanet 154, MedGen C3554649, MONDO:0014073, OMIM 615184.

Submission:

Labcorp Genetics (formerly Invitae), Labcorp
Classification: Uncertain significance for Dilated cardiomyopathy 1II. Last evaluated: 2022-02-27. Review status: criteria provided, single submitter. Criteria: Invitae Variant Classification Sherloc (09022015). Collection method: clinical testing. Allele origin: germline.
Comment: This sequence change replaces glycine, which is neutral and non-polar, with glutamic acid, which is acidic and polar, at codon 64 of the CRYAB protein (p.Gly64Glu). In summary, the available evidence is currently insufficient to determine the role of this variant in disease. Therefore, it has been classified as a Variant of Uncertain Significance. Algorithms developed to predict the effect of missense changes on protein structure and function are either unavailable or do not agree on the potential impact of this missense change (SIFT: "Tolerated"; PolyPhen-2: "Probably Damaging"; Align-GVGD: "Class C0"). This variant has not been reported in the literature in individuals affected with CRYAB-related conditions. This variant is not present in population databases (gnomAD no frequency).